The following is an entry in ClinVar:

ClinVar aggregate classification (germline): Uncertain significance (1 of 4 stars; one submission).

gnomAD v4.1: 6 of 1,614,124 alleles (0.00037%); highest among the groups gnomAD compares: South Asian, 0.0033%; no homozygotes.

Submission:

Labcorp Genetics (formerly Invitae), Labcorp
Classification: Uncertain significance. Last evaluated: 2026-01-20. Review status: criteria provided, single submitter. Criteria: Invitae Variant Classification Sherloc (09022015). Collection method: clinical testing. Allele origin: germline.
Comment: This sequence change replaces glutamic acid, which is acidic and polar, with lysine, which is basic and polar, at codon 306 of the TECTA protein (p.Glu306Lys). This variant is present in population databases (rs757119408, gnomAD 0.006%). This missense change has been observed in individual(s) with clinical features of TECTA-related conditions (PMID: 33994118). Invitae Evidence Modeling of protein sequence and biophysical properties (such as structural, functional, and spatial information, amino acid conservation, physicochemical variation, residue mobility, and thermodynamic stability) indicates that this missense variant is not expected to disrupt TECTA protein function with a negative predictive value of 95%. In summary, the available evidence is currently insufficient to determine the role of this variant in disease. Therefore, it has been classified as a Variant of Uncertain Significance.

Literature cited by the submitters: PubMed 33994118.

NM_005422.4(TECTA):c.916G>A (p.Glu306Lys)

Genes: TBCEL-TECTA (TBCEL-TECTA readthrough; plus strand), TECTA (tectorin alpha; plus strand). Cytogenetic location: 11q23.3.
Variant type: single nucleotide variant.
Coding change: c.916G>A on transcript NM_005422.4 (MANE Select); coding-DNA position 916, G replaced by A.
Protein change: p.Glu306Lys; replaces glutamic acid 306 with lysine.
Molecular consequence: missense variant.
Genome position (GRCh38, 1-based): chr11:121,118,431, G>A. VCF-style: chr11-121118431-G-A. GRCh37 (hg19) VCF-style: chr11-120989140-G-A.
Other names: c.1873G>A, p.Glu625Lys (NM_001378761.1); short protein forms E306K, E625K.
Identifiers: ClinVar variation 4776692 (VCV004776692.1).